The following is an entry in ClinVar:

ClinVar aggregate classification (germline): Uncertain significance (1 of 4 stars; one submission).

Conditions:
CNTN6-related disorder. Also called: CNTN6-related condition.

gnomAD v4.1: 15 of 1,612,104 alleles (0.00093%); highest among the groups gnomAD compares: Non-Finnish European, 0.0011%; no homozygotes.

Submission:

3billion
Classification: Uncertain significance for CNTN6-related disorder. Last evaluated: 2025-03-01. Review status: criteria provided, single submitter. Criteria: ACMG Guidelines, 2015. Collection method: clinical testing. Allele origin: germline. Affected: yes.
Comment: The variant is observed at an extremely low frequency in the gnomAD v4.1.0 dataset (total allele frequency: 0.001%). Predicted Consequence/Location: Stop-gained (nonsense): predicted to result in a loss or disruption of normal protein function through nonsense-mediated decay (NMD) or protein truncation. Multiple pathogenic variants are reported downstream of the variant. Therefore, this variant is classified as VUS according to the recommendation of ACMG/AMP guideline.

NM_001289080.2(CNTN6):c.728C>A (p.Ser243Ter)

Gene: CNTN6 (contactin 6; plus strand). Cytogenetic location: 3p26.3.
Variant type: single nucleotide variant.
Coding change: c.728C>A on transcript NM_001289080.2 (MANE Select); coding-DNA position 728, C replaced by A.
Protein change: p.Ser243Ter; replaces serine 243 with a stop codon.
Molecular consequence: nonsense. On other transcripts: 5 prime UTR variant (2), intron variant (5).
Genome position (GRCh38, 1-based): chr3:1,297,958, C>A. VCF-style: chr3-1297958-C-A. GRCh37 (hg19) VCF-style: chr3-1339642-C-A.
Other names: c.512C>A, p.Ser171Ter (NM_001289081.2); c.728C>A, p.Ser243Ter (NM_001349350.2, NM_001349351.2, NM_001349352.2 and 4 more transcripts); c.-210C>A (NM_001349359.2); c.-390C>A (NM_001349361.2); c.-362+2154C>A (NM_001349362.2); c.658+2154C>A (NM_001349358.2, NM_001349356.2); c.-362+19450C>A (NM_001349360.2); c.454+19450C>A (NM_001349357.2); short protein forms S171*, S243*.
Identifiers: ClinVar variation 4292686 (VCV004292686.1).